The following is an entry in ClinVar:

NM_001042681.2(RERE):c.2449_2460del (p.Pro817_Pro820del)

Gene: RERE (arginine-glutamic acid dipeptide repeats; minus strand). Cytogenetic location: 1p36.23.
Variant type: Deletion.
Coding change: c.2449_2460del on transcript NM_001042681.2 (MANE Select); coding-DNA positions 2449 to 2460, 12 bases deleted (CCGCCGCATCCC).
Protein change: p.Pro817_Pro820del.
Molecular consequence: inframe deletion.
Genome position (GRCh38, 1-based): chr1:8,361,047-8,361,058, GGGATGCGGCGG deleted on the plus strand (CCGCCGCATCCC on the coding strand, the reverse complement: RERE is on the minus strand); deleting any 12 consecutive bases within chr1:8,361,047-8,361,067 gives the same sequence; the c. name uses the placement nearest the transcript's 3' end. VCF-style (leftmost placement, unchanged base first): chr1-8361046-AGGGATGCGGCGG-A. GRCh37 (hg19) VCF-style: chr1-8421106-AGGGATGCGGCGG-A.
Other names: c.2449_2460del12 (NM_012102.3); c.787_798del, p.Pro263_Pro266del (NM_001042682.2); c.2449_2460del, p.Pro817_Pro820del (NM_012102.4).
Identifiers: ClinVar variation 710188 (VCV000710188.28), dbSNP rs749071713, ClinGen allele CA571358.
Genomic context (GRCh38, chr1:8,361,046, plus strand): 5'-GAGAGGGTGCAGAAGGCTGGCCCGCCGACCCAGTCAGAGGCTGCAGCGGGGGATGTGGCG[AGGGATGCGGCGG>A]GGGATGCGGTGAGGGCGGCCGCTGGGGGTGCAAGGCCGGTGCCTGTTGGATGTGGGTGTG-3'

ClinVar aggregate classification (germline): Likely benign. Review status: criteria provided, multiple submitters, no conflicts (2 of 4 stars). 4 submissions from 4 submitters: Likely benign (4). Last evaluated 2024-07-02.

Conditions:
Inborn genetic diseases. Identifiers: MedGen C0950123, MeSH D030342.

Submissions (4):

Blueprint Genetics
Classification: Likely benign. Last evaluated: 2024-07-02. Review status: criteria provided, single submitter. Criteria: ACMG Guidelines, 2015. Collection method: clinical testing. Allele origin: germline.

CeGaT Center for Human Genetics Tuebingen
Classification: Likely benign. Last evaluated: 2024-02-01. Review status: criteria provided, single submitter. Criteria: CeGaT Center For Human Genetics Tuebingen Variant Classification Criteria Version 2. Collection method: clinical testing. Allele origin: germline. Affected: yes. Observed: 1 variant allele.
Comment: RERE: PM4, BS1

Ambry Genetics
Classification: Likely benign for Inborn genetic diseases. Last evaluated: 2021-09-02. Review status: criteria provided, single submitter. Criteria: Ambry Variant Classification Scheme 2023. Collection method: clinical testing. Allele origin: germline.

Labcorp Genetics (formerly Invitae), Labcorp
Classification: Likely benign. Last evaluated: 2017-07-27. Review status: criteria provided, single submitter. Criteria: Invitae Variant Classification Sherloc (09022015). Collection method: clinical testing. Allele origin: germline.